The following is an entry in ClinVar:

NM_005751.5(AKAP9):c.7115T>C (p.Met2372Thr)

Gene: AKAP9 (A-kinase anchoring protein 9; plus strand). Cytogenetic location: 7q21.2.
Variant type: single nucleotide variant.
Coding change: c.7115T>C on transcript NM_005751.5 (MANE Select); coding-DNA position 7115, T replaced by C.
Protein change: p.Met2372Thr; replaces methionine 2372 with threonine.
Molecular consequence: missense variant.
Genome position (GRCh38, 1-based): chr7:92,079,248, T>C. VCF-style: chr7-92079248-T-C. GRCh37 (hg19) VCF-style: chr7-91708562-T-C.
Other names: c.1760T>C, p.Met587Thr (NM_001379277.1); c.7091T>C, p.Met2364Thr (NM_147185.3); short protein forms M2364T, M587T, M2372T.
Identifiers: ClinVar variation 1757237 (VCV001757237.9), dbSNP rs749716365, ClinGen allele CA4337234.

ClinVar aggregate classification (germline): Uncertain significance. Review status: criteria provided, multiple submitters, no conflicts (2 of 4 stars). 3 submissions from 3 submitters: Uncertain significance (3). Last evaluated 2024-11-11.

Conditions:
Long QT syndrome (LQTS). Identifiers: MedGen C0023976, MeSH D008133, MONDO:0002442. Disease mechanism: loss of function. Inheritance: Various modes of inheritance.
Cardiovascular phenotype. Identifiers: MedGen CN230736.

Allele frequency attached by ClinVar (database versions not stated): gnomAD exomes below 0.00001; TOPMed 0.00001; ExAC 0.00002.
gnomAD v4.1: 5 of 1,614,098 alleles (0.00031%); highest among the groups gnomAD compares: Non-Finnish European, 0.00042%; no homozygotes.

Submissions (3):

Ambry Genetics
Classification: Uncertain significance for Cardiovascular phenotype. Last evaluated: 2024-11-11. Review status: criteria provided, single submitter. Criteria: Ambry Variant Classification Scheme 2023. Collection method: clinical testing. Allele origin: germline.

Labcorp Genetics (formerly Invitae), Labcorp
Classification: Uncertain significance for Long QT syndrome. Last evaluated: 2024-08-08. Review status: criteria provided, single submitter. Criteria: Invitae Variant Classification Sherloc (09022015). Collection method: clinical testing. Allele origin: germline.
Comment: This sequence change replaces methionine, which is neutral and non-polar, with threonine, which is neutral and polar, at codon 2372 of the AKAP9 protein (p.Met2372Thr). This variant is present in population databases (rs749716365, gnomAD 0.002%). This variant has not been reported in the literature in individuals affected with AKAP9-related conditions. ClinVar contains an entry for this variant (Variation ID: 1757237). An algorithm developed to predict the effect of missense changes on protein structure and function outputs the following: PolyPhen-2: "Benign". The threonine amino acid residue is found in multiple mammalian species, which suggests that this missense change does not adversely affect protein function. In summary, the available evidence is currently insufficient to determine the role of this variant in disease. Therefore, it has been classified as a Variant of Uncertain Significance.

Dept of Medical Biology, Uskudar University
Classification: Uncertain significance for Long QT syndrome. Last evaluated: 2024-01-08. Review status: criteria provided, single submitter. Criteria: Dept of Medical Biology Variant Classification. Collection method: research. Allele origin: maternal. Affected: yes. Observed: 1 variant allele.
Comment: Criteria: PM2, BP4